The following is an entry in ClinVar:

ClinVar aggregate classification (germline): Uncertain significance (1 of 4 stars; one submission).

Conditions:
Cardiomyopathy (CMYO). Also called: Cardiomyopathies. Identifiers: Orphanet 167848, MedGen C0878544, MONDO:0004994, HP:0001638. Inheritance: Various modes of inheritance.

Submission:

Color Diagnostics, LLC DBA Color Health
Classification: Uncertain significance for Cardiomyopathy. Last evaluated: 2025-09-09. Review status: criteria provided, single submitter. Criteria: ACMG Guidelines, 2015. Collection method: clinical testing. Allele origin: germline.
Comment: This missense variant replaces glycine with valine at codon 35 of the DSP protein. Computational prediction suggests that this variant may not impact protein structure and function. To our knowledge, functional studies have not been reported for this variant. This variant has been reported in the compound heterozygous state with p.Arg1873Cys variant in an individual affected with arrhythmogenic right ventricular cardiomyopathy (PMID: 32942234). This variant has not been identified in the general population by the Genome Aggregation Database (gnomAD). The available evidence is insufficient to determine the role of this variant in disease conclusively. Therefore, this variant is classified as a Variant of Uncertain Significance.

Literature cited by the submitters: PubMed 32942234.

NM_004415.4(DSP):c.104G>T (p.Gly35Val)

Genes: DSP (desmoplakin; plus strand), DSP-AS1 (DSP antisense RNA 1; minus strand). Cytogenetic location: 6p24.3.
Variant type: single nucleotide variant.
Coding change: c.104G>T on transcript NM_004415.4 (MANE Select); coding-DNA position 104, G replaced by T.
Protein change: p.Gly35Val; replaces glycine 35 with valine.
Molecular consequence: missense variant.
Genome position (GRCh38, 1-based): chr6:7,542,019, G>T. VCF-style: chr6-7542019-G-T. GRCh37 (hg19) VCF-style: chr6-7542252-G-T.
Other names: c.104G>T, p.Gly35Val (NM_001008844.3, NM_001319034.2, NM_001406591.1); short protein forms G35V.
Identifiers: ClinVar variation 4756450 (VCV004756450.1).
Genomic context (GRCh38, chr6:7,542,019, plus strand): 5'-GCCGCATGATCCGCGCCGAGTCTGGCCCGGACCTGCGCTACGAGGTGACCAGCGGCGGCG[G>T]GGGCACCAGCAGGATGTACTATTCTCGGCGCGGCGTGATCACCGACCAGAACTCGGACGG-3'
Protein context (NP_004406.2, residues 25-45): DLRYEVTSGG[Gly35Val]GTSRMYYSRR